The following is an entry in ClinVar:

ClinVar aggregate classification (germline): Uncertain significance (1 of 4 stars; one submission).

Conditions:
Predisposition to invasive fungal disease due to CARD9 deficiency (IMD103). Also called: CARD9 IMMUNODEFICIENCY; Candidiasis, familial, 2, autosomal recessive; IMMUNODEFICIENCY 103, SUSCEPTIBILITY TO FUNGAL INFECTIONS. Identifiers: Orphanet 457088, MedGen C1859353, MONDO:0008905, OMIM 212050.

Allele frequency attached by ClinVar (database versions not stated): gnomAD 0.00001; gnomAD exomes 0.00001; ExAC 0.00002; TOPMed 0.00002; 1000 Genomes Project 30x 0.00016; 1000 Genomes Project 0.00020.

Submission:

Labcorp Genetics (formerly Invitae), Labcorp
Classification: Uncertain significance for Predisposition to invasive fungal disease due to CARD9 deficiency. Last evaluated: 2025-12-08. Review status: criteria provided, single submitter. Criteria: Invitae Variant Classification Sherloc (09022015). Collection method: clinical testing. Allele origin: germline.
Comment: This sequence change replaces arginine, which is basic and polar, with histidine, which is basic and polar, at codon 382 of the CARD9 protein (p.Arg382His). The frequency data for this variant in the population databases is considered unreliable, as metrics indicate poor data quality at this position in the gnomAD database. This variant has not been reported in the literature in individuals affected with CARD9-related conditions. ClinVar contains an entry for this variant (Variation ID: 1906185). Invitae Evidence Modeling of protein sequence and biophysical properties (such as structural, functional, and spatial information, amino acid conservation, physicochemical variation, residue mobility, and thermodynamic stability) indicates that this missense variant is expected to disrupt CARD9 protein function with a positive predictive value of 80%. In summary, the available evidence is currently insufficient to determine the role of this variant in disease. Therefore, it has been classified as a Variant of Uncertain Significance.

NM_052813.5(CARD9):c.1145G>A (p.Arg382His)

Gene: CARD9 (caspase recruitment domain family member 9; minus strand). Cytogenetic location: 9q34.3.
Variant type: single nucleotide variant.
Coding change: c.1145G>A on transcript NM_052813.5 (MANE Select); coding-DNA position 1145, G replaced by A.
Protein change: p.Arg382His; replaces arginine 382 with histidine.
Molecular consequence: missense variant.
Genome position (GRCh38, 1-based): chr9:136,367,761, C>T on the plus strand (G>A on the coding strand, the complement: CARD9 is on the minus strand). VCF-style: chr9-136367761-C-T. GRCh37 (hg19) VCF-style: chr9-139262213-C-T.
Other names: c.1145G>A, p.Arg382His (NM_052814.4); short protein forms R382H.
Identifiers: ClinVar variation 1906185 (VCV001906185.5), dbSNP rs540891739, ClinGen allele CA5332810.